The following is an entry in ClinVar:

NM_000372.5(TYR):c.938C>A (p.Pro313His)

Gene: TYR (tyrosinase; plus strand). Cytogenetic location: 11q14.3.
Variant type: single nucleotide variant.
Coding change: c.938C>A on transcript NM_000372.5 (MANE Select); coding-DNA position 938, C replaced by A.
Protein change: p.Pro313His; replaces proline 313 with histidine.
Molecular consequence: missense variant.
Genome position (GRCh38, 1-based): chr11:89,191,320, C>A. VCF-style: chr11-89191320-C-A. GRCh37 (hg19) VCF-style: chr11-88924488-C-A.
Other names: short protein forms P313H.
Identifiers: ClinVar variation 1364485 (VCV001364485.8), dbSNP rs61754378, ClinGen allele CA382035911.

ClinVar aggregate classification (germline): Uncertain significance (1 of 4 stars; one submission).

Submission:

Labcorp Genetics (formerly Invitae), Labcorp
Classification: Uncertain significance. Last evaluated: 2024-01-02. Review status: criteria provided, single submitter. Criteria: Invitae Variant Classification Sherloc (09022015). Collection method: clinical testing. Allele origin: germline.
Comment: This sequence change replaces proline, which is neutral and non-polar, with histidine, which is basic and polar, at codon 313 of the TYR protein (p.Pro313His). This variant is not present in population databases (gnomAD no frequency). This variant has not been reported in the literature in individuals affected with TYR-related conditions. ClinVar contains an entry for this variant (Variation ID: 1364485). Advanced modeling of protein sequence and biophysical properties (such as structural, functional, and spatial information, amino acid conservation, physicochemical variation, residue mobility, and thermodynamic stability) performed at Invitae indicates that this missense variant is expected to disrupt TYR protein function with a positive predictive value of 80%. In summary, the available evidence is currently insufficient to determine the role of this variant in disease. Therefore, it has been classified as a Variant of Uncertain Significance.